The following is an entry in ClinVar:

NM_033225.6(CSMD1):c.659C>T (p.Ser220Phe)

Gene: CSMD1 (CUB and Sushi multiple domains 1; minus strand). Cytogenetic location: 8p23.2.
Variant type: single nucleotide variant.
Coding change: c.659C>T on transcript NM_033225.6 (MANE Select); coding-DNA position 659, C replaced by T.
Protein change: p.Ser220Phe; replaces serine 220 with phenylalanine.
Molecular consequence: missense variant.
Genome position (GRCh38, 1-based): chr8:3,998,062, G>A on the plus strand (C>T on the coding strand, the complement: CSMD1 is on the minus strand). VCF-style: chr8-3998062-G-A. GRCh37 (hg19) VCF-style: chr8-3855584-G-A.
Other names: short protein forms S220F.
Identifiers: ClinVar variation 3052991 (VCV003052991.3), dbSNP rs150247043, ClinGen allele CA4609495.

ClinVar aggregate classification (germline): Uncertain significance. Review status: criteria provided, single submitter (1 of 4 stars). 2 submissions from 2 submitters: Uncertain significance (1). 1 of the submissions does not count toward it. Last evaluated 2025-08-04.

Conditions:
CSMD1-related disorder. Also called: CSMD1-related condition.

Allele frequency attached by ClinVar (database versions not stated): ESP Exome Variant Server 0.00134; 1000 Genomes Project 0.00240; 1000 Genomes Project 30x 0.00312.
gnomAD v4.1: 307 of 1,595,156 alleles (0.019%); highest among the groups gnomAD compares: African/African-American, 0.37%; 1 homozygote.

Submissions (2):

Ambry Genetics
Classification: Uncertain significance. Last evaluated: 2025-08-04. Review status: criteria provided, single submitter. Criteria: Ambry Variant Classification Scheme 2023. Collection method: clinical testing. Allele origin: germline.

PreventionGenetics, part of Exact Sciences
Classification: Likely benign for CSMD1-related condition. Last evaluated: 2019-08-13. Review status: no assertion criteria provided. Collection method: clinical testing. Allele origin: germline. Not counted in ClinVar's aggregate classification.
Comment: This variant is classified as likely benign based on ACMG/AMP sequence variant interpretation guidelines (Richards et al. 2015 PMID: 25741868, with internal and published modifications).